The following is an entry in ClinVar:

ClinVar aggregate classification (germline): Uncertain significance (1 of 4 stars; one submission).

Conditions:
Hereditary cancer-predisposing syndrome. Also called: Hereditary neoplastic syndrome; Tumor predisposition; Hereditary Cancer Syndrome; Neoplastic Syndromes, Hereditary. Identifiers: Orphanet 140162, MedGen C0027672, MeSH D009386, MONDO:0015356.

Submission:

Ambry Genetics
Classification: Uncertain significance for Hereditary cancer-predisposing syndrome. Last evaluated: 2023-07-10. Review status: criteria provided, single submitter. Criteria: Ambry Variant Classification Scheme 2023. Collection method: clinical testing. Allele origin: germline.
Comment: The p.K325R variant (also known as c.974A>G), located in coding exon 9 of the BRCA1 gene, results from an A to G substitution at nucleotide position 974. The lysine at codon 325 is replaced by arginine, an amino acid with highly similar properties. This amino acid position is not well conserved in available vertebrate species. In addition, this alteration is predicted to be deleterious by in silico analysis. Since supporting evidence is limited at this time, the clinical significance of this alteration remains unclear.

NM_007294.4(BRCA1):c.974A>G (p.Lys325Arg)

Gene: BRCA1 (BRCA1 DNA repair associated; minus strand). Cytogenetic location: 17q21.31.
Variant type: single nucleotide variant.
Coding change: c.974A>G on transcript NM_007294.4 (MANE Select); coding-DNA position 974, A replaced by G.
Protein change: p.Lys325Arg; replaces lysine 325 with arginine.
Molecular consequence: missense variant. On other transcripts: intron variant (137).
Genome position (GRCh38, 1-based): chr17:43,094,557, T>C on the plus strand (A>G on the coding strand, the complement: BRCA1 is on the minus strand). VCF-style: chr17-43094557-T-C. GRCh37 (hg19) VCF-style: chr17-41246574-T-C.
Other names: c.761A>G, p.Lys254Arg (NM_001407571.1, NM_001407853.1, NM_001407894.1 and 9 more transcripts); c.974A>G, p.Lys325Arg (NM_001407581.1, NM_001407582.1, NM_001407583.1 and 30 more transcripts); c.971A>G, p.Lys324Arg (NM_001407587.1, NM_001407590.1, NM_001407591.1 and 22 more transcripts); c.965A>G, p.Lys322Arg (NM_001407646.1, NM_001407647.1); c.851A>G, p.Lys284Arg (NM_001407648.1, NM_001407664.1, NM_001407665.1 and 19 more transcripts); c.848A>G, p.Lys283Arg (NM_001407649.1, NM_001407670.1, NM_001407671.1 and 11 more transcripts); c.896A>G, p.Lys299Arg (NM_001407653.1, NM_001407654.1, NM_001407655.1 and 4 more transcripts); c.893A>G, p.Lys298Arg (NM_001407659.1, NM_001407660.1, NM_001407661.1 and 1 more transcripts); and 40 more; short protein forms K214R, K278R, K284R, K325R, K157R, K198R, K254R, K257R.
Identifiers: ClinVar variation 2585822 (VCV002585822.2), dbSNP rs2054013870, ClinGen allele CA10600113.